The following is an entry in ClinVar:

ClinVar aggregate classification (germline): Uncertain significance (1 of 4 stars; one submission).

Conditions:
PCNT-related disorder. Also called: PCNT-related condition.

gnomAD v4.1: 2 of 1,613,894 alleles (0.00012%); highest among the groups gnomAD compares: African/African-American, 0.0027%; no homozygotes.

Submission:

PreventionGenetics, part of Exact Sciences
Classification: Uncertain significance for PCNT-related condition. Last evaluated: 2026-07-27. Review status: criteria provided, single submitter. Criteria: ACMG Guidelines, 2015. Collection method: clinical testing. Allele origin: germline.
Comment: The PCNT c.4817A>C variant is predicted to result in the amino acid substitution p.Gln1606Pro. To our knowledge, this variant has not been reported in the literature. This variant is reported in 0.0062% of alleles in individuals of African descent in gnomAD. At this time, the clinical significance of this variant is uncertain due to the absence of conclusive functional and genetic evidence.

NM_006031.6(PCNT):c.4817A>C (p.Gln1606Pro)

Gene: PCNT (pericentrin; plus strand). Cytogenetic location: 21q22.3.
Variant type: single nucleotide variant.
Coding change: c.4817A>C on transcript NM_006031.6 (MANE Select); coding-DNA position 4817, A replaced by C.
Protein change: p.Gln1606Pro; replaces glutamine 1606 with proline.
Molecular consequence: missense variant.
Genome position (GRCh38, 1-based): chr21:46,401,576, A>C. VCF-style: chr21-46401576-A-C. GRCh37 (hg19) VCF-style: chr21-47821490-A-C.
Other names: c.4463A>C, p.Gln1488Pro (NM_001315529.2); short protein forms Q1606P, Q1488P.
Identifiers: ClinVar variation 4986248 (VCV004986248.1).
Genomic context (GRCh38, chr21:46,401,576, plus strand): 5'-ATTTGCCTAAAATAGAGTTCTTTTTTTTTTAATAGGATAAAGAGGTGTTAAAGAAACAGC[A>C]GATGAGTAGCTTGCTTCTGGCGTCCACGTTGCAGTCTACACTAGATGCAGGCAGATGTCC-3'
Protein context (NP_006022.3, residues 1596-1616): EQDKEVLKKQ[Gln1606Pro]MSSLLLASTL